The following is an entry in ClinVar:

ClinVar aggregate classification (germline): Likely pathogenic (1 of 4 stars; one submission).

Submission:

Labcorp Genetics (formerly Invitae), Labcorp
Classification: Likely pathogenic. Last evaluated: 2022-10-21. Review status: criteria provided, single submitter. Criteria: Invitae Variant Classification Sherloc (09022015). Collection method: clinical testing. Allele origin: germline.
Comment: This variant has not been reported in the literature in individuals affected with ERCC6-related conditions. In summary, the currently available evidence indicates that the variant is pathogenic, but additional data are needed to prove that conclusively. Therefore, this variant has been classified as Likely Pathogenic. Algorithms developed to predict the effect of sequence changes on RNA splicing suggest that this variant may disrupt the consensus splice site. This variant is not present in population databases (gnomAD no frequency). This sequence change affects a donor splice site in intron 17 of the ERCC6 gene. It is expected to disrupt RNA splicing. Variants that disrupt the donor or acceptor splice site typically lead to a loss of protein function (PMID: 16199547), and loss-of-function variants in ERCC6 are known to be pathogenic (PMID: 18628313, 29572252).

Literature cited by the submitters: PubMed 16199547; PubMed 18628313; PubMed 29572252.

NM_000124.4(ERCC6):c.3070+2T>C

Gene: ERCC6 (ERCC excision repair 6, chromatin remodeling factor; minus strand). Cytogenetic location: 10q11.23.
Variant type: single nucleotide variant.
Coding change: c.3070+2T>C on transcript NM_000124.4 (MANE Select); the canonical splice donor site of the intron after coding-DNA position 3070, T replaced by C.
Molecular consequence: splice donor variant.
Genome position (GRCh38, 1-based): chr10:49,470,973, A>G on the plus strand (T>C on the coding strand, the complement: ERCC6 is on the minus strand). VCF-style: chr10-49470973-A-G. GRCh37 (hg19) VCF-style: chr10-50679019-A-G.
Other names: c.3070+2T>C (NM_001346440.2).
Identifiers: ClinVar variation 2036438 (VCV002036438.4), dbSNP rs1850769065, ClinGen allele CA376717261.